The following is an entry in ClinVar:

NM_016222.4(DDX41):c.1649C>T (p.Ala550Val)

Gene: DDX41 (DEAD-box helicase 41; minus strand). Cytogenetic location: 5q35.3.
Variant type: single nucleotide variant.
Coding change: c.1649C>T on transcript NM_016222.4 (MANE Select); coding-DNA position 1649, C replaced by T.
Protein change: p.Ala550Val; replaces alanine 550 with valine.
Molecular consequence: missense variant.
Genome position (GRCh38, 1-based): chr5:177,512,179, G>A on the plus strand (C>T on the coding strand, the complement: DDX41 is on the minus strand). VCF-style: chr5-177512179-G-A. GRCh37 (hg19) VCF-style: chr5-176939180-G-A.
Other names: c.1271C>T, p.Ala424Val (NM_001321732.2, NM_001321830.2); short protein forms A424V, A550V.
Identifiers: ClinVar variation 3678867 (VCV003678867.2).

ClinVar aggregate classification (germline): Uncertain significance (1 of 4 stars; one submission).

Submission:

Labcorp Genetics (formerly Invitae), Labcorp
Classification: Uncertain significance. Last evaluated: 2024-02-16. Review status: criteria provided, single submitter. Criteria: Invitae Variant Classification Sherloc (09022015). Collection method: clinical testing. Allele origin: germline.
Comment: This sequence change replaces alanine, which is neutral and non-polar, with valine, which is neutral and non-polar, at codon 550 of the DDX41 protein (p.Ala550Val). This variant is not present in population databases (gnomAD no frequency). This variant has not been reported in the literature in individuals affected with DDX41-related conditions. An algorithm developed to predict the effect of missense changes on protein structure and function (PolyPhen-2) suggests that this variant is likely to be disruptive. In summary, the available evidence is currently insufficient to determine the role of this variant in disease. Therefore, it has been classified as a Variant of Uncertain Significance.